The following is an entry in ClinVar:

ClinVar aggregate classification (germline): Uncertain significance (1 of 4 stars; one submission).

Allele frequency attached by ClinVar (database versions not stated): gnomAD exomes below 0.00001.
gnomAD v4.1: 1 of 1,597,754 alleles (0.000063%); highest among the groups gnomAD compares: Non-Finnish European, 0.000085%; no homozygotes.

Submission:

Labcorp Genetics (formerly Invitae), Labcorp
Classification: Uncertain significance. Last evaluated: 2024-10-16. Review status: criteria provided, single submitter. Criteria: Invitae Variant Classification Sherloc (09022015). Collection method: clinical testing. Allele origin: germline.
Comment: This sequence change replaces leucine with proline at codon 401 of the SLC46A1 protein (p.Leu401Pro). The leucine residue is highly conserved and there is a moderate physicochemical difference between leucine and proline. This variant is not present in population databases (gnomAD no frequency). This variant has not been reported in the literature in individuals affected with SLC46A1-related conditions. ClinVar contains an entry for this variant (Variation ID: 1442974). Invitae Evidence Modeling of protein sequence and biophysical properties (such as structural, functional, and spatial information, amino acid conservation, physicochemical variation, residue mobility, and thermodynamic stability) indicates that this missense variant is expected to disrupt SLC46A1 protein function with a positive predictive value of 80%. In summary, the available evidence is currently insufficient to determine the role of this variant in disease. Therefore, it has been classified as a Variant of Uncertain Significance.

NM_080669.6(SLC46A1):c.1202T>C (p.Leu401Pro)

Genes: SARM1 (sterile alpha and TIR motif containing 1; plus strand), SLC46A1 (solute carrier family 46 member 1; minus strand). Cytogenetic location: 17q11.2.
Variant type: single nucleotide variant.
Coding change: c.1202T>C on transcript NM_080669.6 (MANE Select); coding-DNA position 1202, T replaced by C.
Protein change: p.Leu401Pro; replaces leucine 401 with proline.
Molecular consequence: missense variant. On other transcripts: 3 prime UTR variant (1).
Genome position (GRCh38, 1-based): chr17:28,400,730, A>G on the plus strand (T>C on the coding strand, the complement: SLC46A1 is on the minus strand). VCF-style: chr17-28400730-A-G. GRCh37 (hg19) VCF-style: chr17-26727747-A-G.
Other names: c.1118T>C, p.Leu373Pro (NM_001242366.3); c.*4444A>G (NM_015077.4); short protein forms L373P, L401P.
Identifiers: ClinVar variation 1442974 (VCV001442974.6), dbSNP rs2142455207, ClinGen allele CA398342923.